The following is an entry in ClinVar:

ClinVar aggregate classification (germline): Likely benign (1 of 4 stars; one submission).

gnomAD v4.1: 6,900 of 1,510,736 alleles (0.46%); highest among the groups gnomAD compares: Non-Finnish European, 0.55%; 23 homozygotes.

Submission:

CeGaT Center for Human Genetics Tuebingen
Classification: Likely benign. Last evaluated: 2026-04-01. Review status: criteria provided, single submitter. Criteria: CeGaT Center For Human Genetics Tuebingen Variant Classification Criteria Version 2. Collection method: clinical testing. Allele origin: germline. Affected: yes. Observed: 1 variant allele.
Comment: RHBDL1: BS2

NM_001278720.2(RHBDL1):c.40-147C>T

Gene: RHBDL1 (rhomboid like 1; plus strand). Cytogenetic location: 16p13.3.
Variant type: single nucleotide variant.
Coding change: c.40-147C>T on transcript NM_001278720.2 (MANE Select); 147 bases into the intron before coding-DNA position 40, C replaced by T.
Molecular consequence: intron variant. On other transcripts: nonsense (1).
Genome position (GRCh38, 1-based): chr16:676,189, C>T. VCF-style: chr16-676189-C-T. GRCh37 (hg19) VCF-style: chr16-726189-C-T.
Other names: c.88C>T, p.Gln30Ter (NM_001318733.2); c.40-147C>T (NM_001278721.2); short protein forms Q30*.
Identifiers: ClinVar variation 4872035 (VCV004872035.2).